The following is an entry in ClinVar:

NM_002055.5(GFAP):c.329C>G (p.Thr110Ser)

Gene: GFAP (glial fibrillary acidic protein; minus strand). Cytogenetic location: 17q21.31.
Variant type: single nucleotide variant.
Coding change: c.329C>G on transcript NM_002055.5 (MANE Select); coding-DNA position 329, C replaced by G.
Protein change: p.Thr110Ser; replaces threonine 110 with serine.
Molecular consequence: missense variant.
Genome position (GRCh38, 1-based): chr17:44,915,158, G>C on the plus strand (C>G on the coding strand, the complement: GFAP is on the minus strand). VCF-style: chr17-44915158-G-C. GRCh37 (hg19) VCF-style: chr17-42992526-G-C.
Other names: c.329C>G, p.Thr110Ser (NM_001131019.3, NM_001242376.3, NM_001363846.2); short protein forms T110S.
Identifiers: ClinVar variation 323625 (VCV000323625.52), dbSNP rs147282497, ClinGen allele CA8609062.

ClinVar aggregate classification (germline): Conflicting classifications of pathogenicity. Review status: criteria provided, conflicting classifications (1 of 4 stars). 8 submissions from 8 submitters: Uncertain significance (2); Likely benign (3). 3 of the submissions do not count toward it. Last evaluated 2026-02-02.

Conditions:
Alexander disease (ALXDRD). Also called: Alexander's disease. Identifiers: Orphanet 58, MedGen C0270726, MONDO:0008752, OMIM 203450.

Allele frequency attached by ClinVar (database versions not stated): ESP Exome Variant Server 0.00015; gnomAD 0.00020 and 0.00021; TOPMed 0.00024; ExAC 0.00026; gnomAD exomes 0.00026.
gnomAD v4.1: 328 of 1,614,160 alleles (0.02%); highest among the groups gnomAD compares: Middle Eastern, 1%; 4 homozygotes.

Submissions (8):

Labcorp Genetics (formerly Invitae), Labcorp
Classification: Likely benign. Last evaluated: 2026-02-02. Review status: criteria provided, single submitter. Criteria: Invitae Variant Classification Sherloc (09022015). Collection method: clinical testing. Allele origin: germline.

CeGaT Center for Human Genetics Tuebingen
Classification: Likely benign. Last evaluated: 2025-02-01. Review status: criteria provided, single submitter. Criteria: CeGaT Center For Human Genetics Tuebingen Variant Classification Criteria Version 2. Collection method: clinical testing. Allele origin: germline. Affected: yes. Observed: 11 variant alleles.
Comment: GFAP: BP4, BS1

Blueprint Genetics
Classification: Likely benign. Last evaluated: 2024-11-26. Review status: criteria provided, single submitter. Criteria: ACMG Guidelines, 2015. Collection method: clinical testing. Allele origin: germline.

New York Genome Center
Classification: Uncertain significance for Alexander disease. Last evaluated: 2020-07-10. Review status: criteria provided, single submitter. Criteria: NYGC Assertion Criteria 2020. Collection method: clinical testing. Allele origin: germline. Observed: 1 heterozygote. Study: CSER-NYCKidSeq.

Fulgent Genetics
Classification: Uncertain significance for Alexander disease. Last evaluated: 2018-10-31. Review status: criteria provided, single submitter. Criteria: ACMG Guidelines, 2015. Collection method: clinical testing. Allele origin: unknown.

Mayo Clinic Laboratories, Mayo Clinic
Classification: Uncertain significance. Last evaluated: 2017-10-26. Review status: no assertion criteria provided. Collection method: clinical testing. Allele origin: unknown. Not counted in ClinVar's aggregate classification.

Clinical Genetics DNA and cytogenetics Diagnostics Lab, Erasmus MC, Erasmus Medical Center
Classification: Likely benign. Review status: no assertion criteria provided. Collection method: clinical testing. Allele origin: germline. Affected: yes. Study: VKGL Data-share Consensus. Not counted in ClinVar's aggregate classification.

Diagnostic Laboratory, Department of Genetics, University Medical Center Groningen
Classification: Likely benign. Review status: no assertion criteria provided. Collection method: clinical testing. Allele origin: germline. Affected: yes. Study: VKGL Data-share Consensus. Not counted in ClinVar's aggregate classification.